The following is an entry in ClinVar:

NM_001015877.2(PHF6):c.556G>T (p.Gly186Ter)

Gene: PHF6 (PHD finger protein 6; plus strand). Cytogenetic location: Xq26.2.
Variant type: single nucleotide variant.
Coding change: c.556G>T on transcript NM_001015877.2 (MANE Select); coding-DNA position 556, G replaced by T.
Protein change: p.Gly186Ter; replaces glycine 186 with a stop codon.
Molecular consequence: nonsense.
Genome position (GRCh38, 1-based): chrX:134,413,628, G>T. VCF-style: chrX-134413628-G-T. GRCh37 (hg19) VCF-style: chrX-133547658-G-T.
Other names: c.559G>T, p.Gly187Ter (NM_032335.3, LRG_629t2); c.556G>T, p.Gly186Ter (NM_032458.3); short protein forms G186*, G187*.
Identifiers: ClinVar variation 620536 (VCV000620536.2), dbSNP rs1569343210, ClinGen allele CA414712672.
Genomic context (GRCh38, chrX:134,413,628, plus strand): 5'-AGGCCAAGAAAAACTAATTTTAAAGGGCTGTCAGAAGATACCAGGTCCACATCCTCCCAT[G>T]GAACAGATGAAATGGAAAGTAGTTCCTATGTAAGTAAAAAAAACTGTTGGATTCTTACTT-3'

ClinVar aggregate classification (germline): Likely pathogenic (1 of 4 stars; one submission).

Submission:

GeneDx
Classification: Likely pathogenic. Last evaluated: 2020-02-18. Review status: criteria provided, single submitter. Criteria: GeneDx Variant Classification Process June 2021. Collection method: clinical testing. Allele origin: germline. Affected: yes.
Comment: Nonsense variant predicted to result in protein truncation or nonsense mediated decay in a gene for which loss-of-function is a known mechanism of disease; Not observed in large population cohorts (Lek et al., 2016); Has not been previously published as pathogenic or benign to our knowledge